The following is an entry in ClinVar:

NM_002691.4(POLD1):c.436C>A (p.Pro146Thr)

Gene: POLD1 (DNA polymerase delta 1, catalytic subunit; plus strand). Cytogenetic location: 19q13.33.
Variant type: single nucleotide variant.
Coding change: c.436C>A on transcript NM_002691.4 (MANE Select); coding-DNA position 436, C replaced by A.
Protein change: p.Pro146Thr; replaces proline 146 with threonine.
Molecular consequence: missense variant. On other transcripts: non-coding transcript variant (1).
Genome position (GRCh38, 1-based): chr19:50,401,897, C>A. VCF-style: chr19-50401897-C-A. GRCh37 (hg19) VCF-style: chr19-50905154-C-A.
Other names: c.436C>A, p.Pro146Thr (NM_001256849.1, NM_001308632.1); short protein forms P146T.
Identifiers: ClinVar variation 2109240 (VCV002109240.4), dbSNP rs2038650909, ClinGen allele CA406972667.

ClinVar aggregate classification (germline): Uncertain significance (1 of 4 stars; one submission).

Conditions:
POLD1-related polyposis and colorectal cancer syndrome (CRCS10). Also called: Colorectal cancer 10; COLORECTAL CANCER, SUSCEPTIBILITY TO, ON CHROMOSOME 19q; Colorectal cancer, susceptibility to, 10. Identifiers: Orphanet 220460, MedGen C2675481, MONDO:0012953, OMIM 612591.

Submission:

Labcorp Genetics (formerly Invitae), Labcorp
Classification: Uncertain significance for POLD1-related polyposis and colorectal cancer syndrome. Last evaluated: 2022-03-11. Review status: criteria provided, single submitter. Criteria: Invitae Variant Classification Sherloc (09022015). Collection method: clinical testing. Allele origin: germline.
Comment: In summary, the available evidence is currently insufficient to determine the role of this variant in disease. Therefore, it has been classified as a Variant of Uncertain Significance. Algorithms developed to predict the effect of missense changes on protein structure and function are either unavailable or do not agree on the potential impact of this missense change (SIFT: "Tolerated"; PolyPhen-2: "Probably Damaging"; Align-GVGD: "Class C0"). This variant has not been reported in the literature in individuals affected with POLD1-related conditions. This variant is not present in population databases (gnomAD no frequency). This sequence change replaces proline, which is neutral and non-polar, with threonine, which is neutral and polar, at codon 146 of the POLD1 protein (p.Pro146Thr).